The following is an entry in ClinVar:

ClinVar aggregate classification (germline): Uncertain significance. Review status: criteria provided, multiple submitters, no conflicts (2 of 4 stars). 2 submissions from 2 submitters: Uncertain significance (2). Last evaluated 2025-03-31.

Conditions:
Dextro-looped transposition of the great arteries. Also called: Dextrotransposition of the great arteries. Identifiers: Orphanet 860, MedGen C3531771, MONDO:0019443, OMIM 608808, HP:0031348.

Allele frequency attached by ClinVar (database versions not stated): gnomAD exomes below 0.00001; TOPMed below 0.00001; ExAC 0.00001.
gnomAD v4.1: 1 of 1,614,104 alleles (0.000062%); highest among the groups gnomAD compares: Non-Finnish European, 0.000085%; no homozygotes.

Submissions (2):

GeneDx
Classification: Uncertain significance. Last evaluated: 2025-03-31. Review status: criteria provided, single submitter. Criteria: GeneDx Variant Classification Process June 2021. Collection method: clinical testing. Allele origin: germline. Affected: yes.
Comment: In silico analysis supports that this missense variant has a deleterious effect on protein structure/function; De novo variant with confirmed parentage in a patient with craniosynostosis; however, additional clinical information was not provided (PMID: 37086723); This variant is associated with the following publications: (PMID: 33057194, 35982159, 37086723)

Labcorp Genetics (formerly Invitae), Labcorp
Classification: Uncertain significance for Dextro-looped transposition of the great arteries. Last evaluated: 2023-06-05. Review status: criteria provided, single submitter. Criteria: Invitae Variant Classification Sherloc (09022015). Collection method: clinical testing. Allele origin: germline.
Comment: In summary, the available evidence is currently insufficient to determine the role of this variant in disease. Therefore, it has been classified as a Variant of Uncertain Significance. Advanced modeling of protein sequence and biophysical properties (such as structural, functional, and spatial information, amino acid conservation, physicochemical variation, residue mobility, and thermodynamic stability) has been performed at Invitae for this missense variant, however the output from this modeling did not meet the statistical confidence thresholds required to predict the impact of this variant on MED13L protein function. ClinVar contains an entry for this variant (Variation ID: 453115). This variant has not been reported in the literature in individuals affected with MED13L-related conditions. This variant is present in population databases (rs763939921, gnomAD 0.0009%). This sequence change replaces alanine, which is neutral and non-polar, with valine, which is neutral and non-polar, at codon 1143 of the MED13L protein (p.Ala1143Val).

NM_015335.5(MED13L):c.3428C>T (p.Ala1143Val)

Gene: MED13L (mediator complex subunit 13L; minus strand). Cytogenetic location: 12q24.21.
Variant type: single nucleotide variant.
Coding change: c.3428C>T on transcript NM_015335.5 (MANE Select); coding-DNA position 3428, C replaced by T.
Protein change: p.Ala1143Val; replaces alanine 1143 with valine.
Molecular consequence: missense variant.
Genome position (GRCh38, 1-based): chr12:115,991,526, G>A on the plus strand (C>T on the coding strand, the complement: MED13L is on the minus strand). VCF-style: chr12-115991526-G-A. GRCh37 (hg19) VCF-style: chr12-116429331-G-A.
Other names: short protein forms A1143V.
Identifiers: ClinVar variation 453115 (VCV000453115.9), dbSNP rs763939921, ClinGen allele CA6810981.